The following is an entry in ClinVar:

ClinVar aggregate classification (germline): Uncertain significance (1 of 4 stars; one submission).

Submission:

Women's Health and Genetics/Laboratory Corporation of America, LabCorp
Classification: Uncertain significance. Last evaluated: 2025-12-26. Review status: criteria provided, single submitter. Criteria: LabCorp Variant Classification Summary - May 2015. Collection method: clinical testing. Allele origin: germline.
Comment: Variant summary: PSAP c.1448_1449dupCC (p.Ser484ProfsX76) causes a frameshift which results in an extension of the protein. The variant was absent in 251402 control chromosomes (gnomAD). The available data on variant occurrences in the general population are insufficient to allow any conclusion about variant significance. To our knowledge, no occurrence of c.1448_1449dupCC in individuals affected with PSAP-related conditions and no experimental evidence demonstrating its impact on protein function have been reported. No submitters have cited clinical-significance assessments for this variant to ClinVar. Based on the evidence outlined above, the variant was classified as uncertain significance.

NM_002778.4(PSAP):c.1448_1449dup (p.Ser484fs)

Gene: PSAP (prosaposin; minus strand). Cytogenetic location: 10q22.1.
Variant type: Duplication.
Coding change: c.1448_1449dup on transcript NM_002778.4 (MANE Select); coding-DNA positions 1448 to 1449, 2 bases duplicated (CC; older notation c.1448_1449dupCC).
Protein change: p.Ser484fs; shifts the reading frame from serine 484.
Molecular consequence: frameshift variant.
Genome position (GRCh38, 1-based): chr10:71,818,707-71,818,708, GG duplicated on the plus strand (CC on the coding strand, the reverse complement: PSAP is on the minus strand); duplicating any 2 consecutive bases within chr10:71,818,707-71,818,710 gives the same sequence; the c. name uses the placement nearest the transcript's 3' end. VCF-style (leftmost placement, unchanged base first): chr10-71818706-A-AGG. GRCh37 (hg19) VCF-style: chr10-73578463-A-AGG.
Other names: c.1457_1458dup, p.Ser487fs (NM_001042465.3); c.1454_1455dup, p.Ser486fs (NM_001042466.3); c.1448_1449dupCC (NM_002778.4); short protein forms S484fs, S486fs, S487fs.
Identifiers: ClinVar variation 4688779 (VCV004688779.1).